The following is an entry in ClinVar:

NM_001376938.2(IQSEC1):c.210G>C (p.Pro70=)

Gene: IQSEC1 (IQ motif and Sec7 domain ArfGEF 1; minus strand). Cytogenetic location: 3p25.1.
Variant type: single nucleotide variant.
Coding change: c.210G>C on transcript NM_001376938.2; coding-DNA position 210, G replaced by C.
Protein change: p.Pro70=; no amino-acid change (proline 70 retained).
Molecular consequence: synonymous variant.
Genome position (GRCh38, 1-based): chr3:13,282,773, C>G on the plus strand (G>C on the coding strand, the complement: IQSEC1 is on the minus strand). VCF-style: chr3-13282773-C-G. GRCh37 (hg19) VCF-style: chr3-13324273-C-G.
Identifiers: ClinVar variation 2653566 (VCV002653566.22), dbSNP rs2470220545, ClinGen allele CA2518006092.

ClinVar aggregate classification (germline): Likely benign (1 of 4 stars; one submission).

Submission:

CeGaT Center for Human Genetics Tuebingen
Classification: Likely benign. Last evaluated: 2023-01-01. Review status: criteria provided, single submitter. Criteria: CeGaT Center For Human Genetics Tuebingen Variant Classification Criteria Version 2. Collection method: clinical testing. Allele origin: germline. Affected: yes. Observed: 1 variant allele.
Comment: IQSEC1: PM2:Supporting, BP4, BP7